The following is an entry in ClinVar:

NM_133497.4(KCNV2):c.613G>T (p.Glu205Ter)

Gene: KCNV2 (potassium voltage-gated channel modifier subfamily V member 2; plus strand). Cytogenetic location: 9p24.2.
Variant type: single nucleotide variant.
Coding change: c.613G>T on transcript NM_133497.4 (MANE Select); coding-DNA position 613, G replaced by T.
Protein change: p.Glu205Ter; replaces glutamic acid 205 with a stop codon.
Molecular consequence: nonsense.
Genome position (GRCh38, 1-based): chr9:2,718,352, G>T. VCF-style: chr9-2718352-G-T. GRCh37 (hg19) VCF-style: chr9-2718352-G-T.
Other names: short protein forms E205*.
Identifiers: ClinVar variation 1074242 (VCV001074242.7), dbSNP rs753157401, ClinGen allele CA4965534.

ClinVar aggregate classification (germline): Pathogenic (1 of 4 stars; one submission).

Submission:

Labcorp Genetics (formerly Invitae), Labcorp
Classification: Pathogenic. Last evaluated: 2022-02-10. Review status: criteria provided, single submitter. Criteria: Invitae Variant Classification Sherloc (09022015). Collection method: clinical testing. Allele origin: germline.
Comment: This sequence change creates a premature translational stop signal (p.Glu205*) in the KCNV2 gene. It is expected to result in an absent or disrupted protein product. Loss-of-function variants in KCNV2 are known to be pathogenic (PMID: 16909397, 18235024). The frequency data for this variant in the population databases is considered unreliable, as metrics indicate poor data quality at this position in the gnomAD database. This variant has not been reported in the literature in individuals affected with KCNV2-related conditions. ClinVar contains an entry for this variant (Variation ID: 1074242). For these reasons, this variant has been classified as Pathogenic.

Literature cited by the submitters: PubMed 16909397; PubMed 18235024.